The following is an entry in ClinVar:

Conditions:
Long QT syndrome 5 (LQT5). Identifiers: Orphanet 101016, Orphanet 768, MedGen C1867904, MONDO:0013372, OMIM 613695.

Submission:

Roden Lab, Vanderbilt University Medical Center
No classification provided (evidence only). Condition: Long QT syndrome 5. Review status: no classification provided. Collection method: in vitro. Allele origin: not applicable. Functional consequence: Effect on ion channel function.
ClinVar note: "not provided" was previously submitted as the classification for the variant. However, the classification appeared to be based only on an observation of functional data so it was converted to no classification on 2025-07-30.

NM_000219.6(KCNE1):c.217C>G (p.His73Asp)

Gene: KCNE1 (potassium voltage-gated channel subfamily E regulatory subunit 1; minus strand). Cytogenetic location: 21q22.12.
Variant type: single nucleotide variant.
Coding change: c.217C>G on transcript NM_000219.6 (MANE Select); coding-DNA position 217, C replaced by G.
Protein change: p.His73Asp; replaces histidine 73 with aspartic acid.
Molecular consequence: missense variant.
Genome position (GRCh38, 1-based): chr21:34,449,418, G>C on the plus strand (C>G on the coding strand, the complement: KCNE1 is on the minus strand). VCF-style: chr21-34449418-G-C. GRCh37 (hg19) VCF-style: chr21-35821716-G-C.
Other names: c.217C>G, p.His73Asp (NM_001127668.4, NM_001127669.4, NM_001127670.4 and 4 more transcripts); short protein forms H73D.
Identifiers: ClinVar variation 3374355 (VCV003374355.2).